The following is an entry in ClinVar:

NM_000059.4(BRCA2):c.9685C>T (p.Pro3229Ser)

Gene: BRCA2 (BRCA2 DNA repair associated; plus strand). Cytogenetic location: 13q13.1.
Variant type: single nucleotide variant.
Coding change: c.9685C>T on transcript NM_000059.4 (MANE Select); coding-DNA position 9685, C replaced by T.
Protein change: p.Pro3229Ser; replaces proline 3229 with serine.
Molecular consequence: missense variant.
Genome position (GRCh38, 1-based): chr13:32,398,198, C>T. VCF-style: chr13-32398198-C-T. GRCh37 (hg19) VCF-style: chr13-32972335-C-T.
Other names: short protein forms P3229S.
Identifiers: ClinVar variation 418945 (VCV000418945.13), dbSNP rs1064793542, ClinGen allele CA16619796.

ClinVar aggregate classification (germline): Uncertain significance. Review status: criteria provided, multiple submitters, no conflicts (2 of 4 stars). 4 submissions from 4 submitters: Uncertain significance (4). Last evaluated 2025-10-23.

Conditions:
Hereditary cancer-predisposing syndrome. Also called: Hereditary neoplastic syndrome; Tumor predisposition; Neoplastic Syndromes, Hereditary; Hereditary Cancer Syndrome. Identifiers: Orphanet 140162, MedGen C0027672, MeSH D009386, MONDO:0015356.
Hereditary breast ovarian cancer syndrome. Also called: Hereditary breast and ovarian cancer; Hereditary breast and/or ovarian cancer syndrome; Hereditary breast and ovarian cancer syndrome; Hereditary breast and ovarian cancer syndrome (HBOC); Breast and ovarian cancer; BRCA1- and BRCA2-Associated Hereditary Breast and Ovarian Cancer. Identifiers: Orphanet 145, MedGen C0677776, MeSH D061325, MONDO:0003582. Disease mechanism: loss of function.
Familial cancer of breast. Also called: Hereditary breast cancer; BREAST CANCER, FAMILIAL; hereditary breast carcinoma. Identifiers: Orphanet 227535, MedGen C0346153, MONDO:0016419, OMIM 114480. Disease mechanism: loss of function.

Submissions (4):

Labcorp Genetics (formerly Invitae), Labcorp
Classification: Uncertain significance for Hereditary breast ovarian cancer syndrome. Last evaluated: 2025-10-23. Review status: criteria provided, single submitter. Criteria: Invitae Variant Classification Sherloc (09022015). Collection method: clinical testing. Allele origin: germline.
Comment: This sequence change replaces proline, which is neutral and non-polar, with serine, which is neutral and polar, at codon 3229 of the BRCA2 protein (p.Pro3229Ser). This variant is not present in population databases (gnomAD no frequency). This variant has not been reported in the literature in individuals affected with BRCA2-related conditions. ClinVar contains an entry for this variant (Variation ID: 418945). Invitae Evidence Modeling of protein sequence and biophysical properties (such as structural, functional, and spatial information, amino acid conservation, physicochemical variation, residue mobility, and thermodynamic stability) indicates that this missense variant is not expected to disrupt BRCA2 protein function with a negative predictive value of 95%. In summary, the available evidence is currently insufficient to determine the role of this variant in disease. Therefore, it has been classified as a Variant of Uncertain Significance.

Ambry Genetics
Classification: Uncertain significance for Hereditary cancer-predisposing syndrome. Last evaluated: 2024-12-08. Review status: criteria provided, single submitter. Criteria: Ambry Variant Classification Scheme 2023. Collection method: clinical testing. Allele origin: germline.
Comment: The p.P3229S variant (also known as c.9685C>T), located in coding exon 26 of the BRCA2 gene, results from a C to T substitution at nucleotide position 9685. The proline at codon 3229 is replaced by serine, an amino acid with similar properties. This amino acid position is not well conserved in available vertebrate species. In addition, this alteration is predicted to be tolerated by in silico analysis. Based on the available evidence, the clinical significance of this variant remains unclear.

Institute of Human Genetics, University of Leipzig Medical Center
Classification: Uncertain significance for Familial cancer of breast. Last evaluated: 2019-01-01. Review status: criteria provided, single submitter. Criteria: ACMG Guidelines, 2015. Collection method: clinical testing. Allele origin: unknown. Affected: yes.

GeneDx
Classification: Uncertain significance. Last evaluated: 2015-04-24. Review status: criteria provided, single submitter. Criteria: GeneDx Variant Classification (06012015). Collection method: clinical testing. Allele origin: germline. Affected: yes.
Comment: This variant is denoted BRCA2 c.9685C>T at the cDNA level, p.Pro3229Ser (P3229S) at the protein level, and results in the change of a Proline to a Serine (CCT>TCT). Using alternate nomenclature, this variant would be defined as BRCA2 9913C>T. This variant has not, to our knowledge, been published in the literature as pathogenic or benign. BRCA2 Pro3229Ser was not observed in approximately 6,500 individuals of European and African American ancestry in the NHLBI Exome Sequencing Project, indicating it is not a common benign variant in these populations. Since Proline and Serine differ in polarity, charge, size or other properties, this is considered a non-conservative amino acid substitution. BRCA2 Pro3229Ser occurs at a position that is not conserved across species and is not located in a known functional domain (UniProt). In silico analyses are inconsistent regarding the effect this variant may have on protein structure and function. Based on currently available information, it is unclear whether BRCA2 Pro3229Ser is pathogenic or benign. We consider it to be a variant of uncertain significance.